The following is an entry in ClinVar:

ClinVar aggregate classification (germline): Pathogenic. Review status: criteria provided, multiple submitters, no conflicts (2 of 4 stars). 2 submissions from 2 submitters: Pathogenic (2). Last evaluated 2026-03-17.

Conditions:
Hereditary breast ovarian cancer syndrome. Also called: Hereditary breast and ovarian cancer syndrome (HBOC); Breast and ovarian cancer; Hereditary breast and/or ovarian cancer syndrome; BRCA1- and BRCA2-Associated Hereditary Breast and Ovarian Cancer; Hereditary breast and ovarian cancer; Hereditary breast and ovarian cancer syndrome. Identifiers: Orphanet 145, MedGen C0677776, MeSH D061325, MONDO:0003582. Disease mechanism: loss of function.

Submissions (2):

Women's Health and Genetics/Laboratory Corporation of America, LabCorp
Classification: Pathogenic for Hereditary breast ovarian cancer syndrome. Last evaluated: 2026-03-17. Review status: criteria provided, single submitter. Criteria: LabCorp Variant Classification Summary - May 2015. Collection method: clinical testing. Allele origin: germline.
Comment: Variant summary: BRCA2 c.2083A>T (p.Lys695X) results in a premature termination codon, predicted to cause a truncation of the encoded protein or absence of the protein due to nonsense mediated decay, which are commonly known mechanisms for disease. The variant was absent in 250590 control chromosomes. To our knowledge, no occurrence of c.2083A>T in individuals affected with BRCA2-related conditions and no experimental evidence demonstrating its impact on protein function have been reported. ClinVar contains an entry for this variant (Variation ID: 4731868). Based on the evidence outlined above, the variant was classified as pathogenic.

Labcorp Genetics (formerly Invitae), Labcorp
Classification: Pathogenic for Hereditary breast ovarian cancer syndrome. Last evaluated: 2025-11-24. Review status: criteria provided, single submitter. Criteria: Invitae Variant Classification Sherloc (09022015). Collection method: clinical testing. Allele origin: germline.
Comment: This sequence change creates a premature translational stop signal (p.Lys695*) in the BRCA2 gene. It is expected to result in an absent or disrupted protein product. Loss-of-function variants in BRCA2 are known to be pathogenic (PMID: 20104584). This variant is not present in population databases (gnomAD no frequency). This variant has not been reported in the literature in individuals affected with BRCA2-related conditions. For these reasons, this variant has been classified as Pathogenic.

Literature cited by the submitters: PubMed 20104584 (cited by Labcorp Genetics (formerly Invitae), Labcorp).

NM_000059.4(BRCA2):c.2083A>T (p.Lys695Ter)

Gene: BRCA2 (BRCA2 DNA repair associated; plus strand). Cytogenetic location: 13q13.1.
Variant type: single nucleotide variant.
Coding change: c.2083A>T on transcript NM_000059.4 (MANE Select); coding-DNA position 2083, A replaced by T.
Protein change: p.Lys695Ter; replaces lysine 695 with a stop codon.
Molecular consequence: nonsense. On other transcripts: non-coding transcript variant (1), intron variant (2).
Genome position (GRCh38, 1-based): chr13:32,336,438, A>T. VCF-style: chr13-32336438-A-T. GRCh37 (hg19) VCF-style: chr13-32910575-A-T.
Other names: c.2083A>T, p.Lys695Ter (NM_001406719.1, NM_001406720.1, NM_001432077.1); c.1909+3051A>T (NM_001406721.1); c.424+5408A>T (NM_001406722.1); short protein forms K695*.
Identifiers: ClinVar variation 4731868 (VCV004731868.2).